The following is an entry in ClinVar:

ClinVar aggregate classification (germline): Uncertain significance (1 of 4 stars; one submission).

Conditions:
Primary ciliary dyskinesia. Also called: Ciliary dyskinesia. Identifiers: Orphanet 244, MedGen C0008780, MONDO:0016575, HP:0012265.

gnomAD v4.1: 1 of 1,552,748 alleles (0.000064%); highest among the groups gnomAD compares: Non-Finnish European, 0.000087%; no homozygotes.

Submission:

Labcorp Genetics (formerly Invitae), Labcorp
Classification: Uncertain significance for Primary ciliary dyskinesia. Last evaluated: 2024-11-11. Review status: criteria provided, single submitter. Criteria: Invitae Variant Classification Sherloc (09022015). Collection method: clinical testing. Allele origin: germline.
Comment: This sequence change replaces alanine, which is neutral and non-polar, with threonine, which is neutral and polar, at codon 2528 of the DNAH5 protein (p.Ala2528Thr). This variant is not present in population databases (gnomAD no frequency). This variant has not been reported in the literature in individuals affected with DNAH5-related conditions. Invitae Evidence Modeling of protein sequence and biophysical properties (such as structural, functional, and spatial information, amino acid conservation, physicochemical variation, residue mobility, and thermodynamic stability) indicates that this missense variant is not expected to disrupt DNAH5 protein function with a negative predictive value of 95%. In summary, the available evidence is currently insufficient to determine the role of this variant in disease. Therefore, it has been classified as a Variant of Uncertain Significance.

NM_001369.3(DNAH5):c.7582G>A (p.Ala2528Thr)

Gene: DNAH5 (dynein axonemal heavy chain 5; minus strand). Cytogenetic location: 5p15.2.
Variant type: single nucleotide variant.
Coding change: c.7582G>A on transcript NM_001369.3 (MANE Select); coding-DNA position 7582, G replaced by A.
Protein change: p.Ala2528Thr; replaces alanine 2528 with threonine.
Molecular consequence: missense variant.
Genome position (GRCh38, 1-based): chr5:13,810,086, C>T on the plus strand (G>A on the coding strand, the complement: DNAH5 is on the minus strand). VCF-style: chr5-13810086-C-T. GRCh37 (hg19) VCF-style: chr5-13810195-C-T.
Other names: short protein forms A2528T.
Identifiers: ClinVar variation 3710888 (VCV003710888.2).